The following is an entry in ClinVar:

ClinVar aggregate classification (germline): Uncertain significance (1 of 4 stars; one submission).

Conditions:
Vici syndrome (VICIS). Identifiers: Orphanet 1493, MedGen C1855772, MONDO:0009452, OMIM 242840.

Allele frequency attached by ClinVar (database versions not stated): gnomAD exomes below 0.00001; gnomAD 0.00001; TOPMed 0.00001.
gnomAD v4.1: 4 of 1,613,090 alleles (0.00025%); highest among the groups gnomAD compares: Admixed American, 0.0017%; no homozygotes.

Submission:

Labcorp Genetics (formerly Invitae), Labcorp
Classification: Uncertain significance for Vici syndrome. Last evaluated: 2022-06-10. Review status: criteria provided, single submitter. Criteria: Invitae Variant Classification Sherloc (09022015). Collection method: clinical testing. Allele origin: germline.
Comment: This sequence change replaces serine, which is neutral and polar, with arginine, which is basic and polar, at codon 2452 of the EPG5 protein (p.Ser2452Arg). This variant is not present in population databases (gnomAD no frequency). This variant has not been reported in the literature in individuals affected with EPG5-related conditions. Algorithms developed to predict the effect of missense changes on protein structure and function (SIFT, PolyPhen-2, Align-GVGD) all suggest that this variant is likely to be tolerated. In summary, the available evidence is currently insufficient to determine the role of this variant in disease. Therefore, it has been classified as a Variant of Uncertain Significance.

NM_020964.3(EPG5):c.7356C>G (p.Ser2452Arg)

Gene: EPG5 (ectopic P-granules 5 autophagy tethering factor; minus strand). Cytogenetic location: 18q12.3.
Variant type: single nucleotide variant.
Coding change: c.7356C>G on transcript NM_020964.3 (MANE Select); coding-DNA position 7356, C replaced by G.
Protein change: p.Ser2452Arg; replaces serine 2452 with arginine.
Molecular consequence: missense variant.
Genome position (GRCh38, 1-based): chr18:45,857,939, G>C on the plus strand (C>G on the coding strand, the complement: EPG5 is on the minus strand). VCF-style: chr18-45857939-G-C. GRCh37 (hg19) VCF-style: chr18-43437904-G-C.
Other names: c.7356C>G, p.Ser2452Arg (NM_001410858.1); c.7353C>G, p.Ser2451Arg (NM_001410859.1); short protein forms S2452R, S2451R.
Identifiers: ClinVar variation 1902362 (VCV001902362.2), dbSNP rs1568094207, ClinGen allele CA402335947.
Genomic context (GRCh38, chr18:45,857,939, plus strand): 5'-AAACCCAATTGCCCCCAGGATCCCAGAGCTGAGTCTCTCCTCAGCCACGAGGTTCTGCCT[G>C]CTCTGAACCAAGAGCAGAATTCGAATGACAGATTCTGTCAGGACGGAGTCATTCTGCTCT-3'
Protein context (NP_066015.2, residues 2442-2462): SVIRILLLVQ[Ser2452Arg]RQNLVAEERL